The following is an entry in ClinVar:

ClinVar aggregate classification (germline): Uncertain significance. Review status: criteria provided, multiple submitters, no conflicts (2 of 4 stars). 2 submissions from 2 submitters: Uncertain significance (2). Last evaluated 2025-07-28.

Conditions:
Malignant hyperthermia, susceptibility to, 1 (MHS1). Also called: Anesthesia related hyperthermia; Malignant hyperpyrexia; Fulminating hyperpyrexia; Pharmacogenic myopathy; Malignant hyperthermia suceptibility 1; RYR1-Related Malignant Hyperthermia Susceptibility. Identifiers: Orphanet 423, MedGen C2930980, MONDO:0007783, OMIM 145600.

gnomAD v4.1: 8 of 1,613,890 alleles (0.0005%); highest among the groups gnomAD compares: Non-Finnish European, 0.00068%; no homozygotes.

Submissions (2):

Color Diagnostics, LLC DBA Color Health
Classification: Uncertain significance for Malignant hyperthermia, susceptibility to, 1. Last evaluated: 2025-07-28. Review status: criteria provided, single submitter. Criteria: ACMG Guidelines, 2015. Collection method: clinical testing. Allele origin: germline.
Comment: This missense variant replaces isoleucine with methionine at codon 2512 of the RYR1 protein. Computational prediction is inconclusive regarding the impact of this variant on protein structure and function. To our knowledge, functional studies have not been reported for this variant. This variant has not been reported in individuals affected with RYR1-related disorders in the literature. This variant has not been identified in the general population by the Genome Aggregation Database (gnomAD). The available evidence is insufficient to determine the role of this variant in disease conclusively. Therefore, this variant is classified as a Variant of Uncertain Significance.

Revvity Omics, Revvity
Classification: Uncertain significance. Last evaluated: 2020-04-04. Review status: criteria provided, single submitter. Criteria: ACMG Guidelines, 2015. Collection method: clinical testing. Allele origin: germline.

NM_000540.3(RYR1):c.7536C>G (p.Ile2512Met)

Gene: RYR1 (ryanodine receptor 1; plus strand). Cytogenetic location: 19q13.2.
Variant type: single nucleotide variant.
Coding change: c.7536C>G on transcript NM_000540.3 (MANE Select); coding-DNA position 7536, C replaced by G.
Protein change: p.Ile2512Met; replaces isoleucine 2512 with methionine.
Molecular consequence: missense variant.
Genome position (GRCh38, 1-based): chr19:38,500,912, C>G. VCF-style: chr19-38500912-C-G. GRCh37 (hg19) VCF-style: chr19-38991552-C-G.
Other names: c.7536C>G, p.Ile2512Met (NM_001042723.2); short protein forms I2512M.
Identifiers: ClinVar variation 2435611 (VCV002435611.4), dbSNP rs368560744, ClinGen allele CA405670409.